The following is an entry in ClinVar:

NM_194454.3(KRIT1):c.1487dup (p.Asn496fs)

Gene: KRIT1 (KRIT1 ankyrin repeat containing; minus strand). Cytogenetic location: 7q21.2.
Variant type: Duplication.
Coding change: c.1487dup on transcript NM_194454.3 (MANE Select); coding-DNA position 1487, one base duplicated (A; older notation c.1487dupA).
Protein change: p.Asn496fs; shifts the reading frame from asparagine 496.
Molecular consequence: frameshift variant.
Genome position (GRCh38, 1-based): chr7:92,221,978, T duplicated on the plus strand (A on the coding strand, the reverse complement: KRIT1 is on the minus strand); the first of 2 consecutive T bases (chr7:92,221,978-92,221,979); duplicating either gives the same sequence. VCF-style (leftmost placement, unchanged base first): chr7-92221977-A-AT. GRCh37 (hg19) VCF-style: chr7-91851291-A-AT.
Other names: c.1343dup, p.Asn448fs (NM_001013406.2, NM_001350669.1, NM_001350670.1); c.773dup, p.Asn258fs (NM_001350671.1); c.1487dup, p.Asn496fs (NM_001350672.1, NM_001350673.1, NM_001350674.1 and 26 more transcripts); short protein forms N448fs, N496fs, N258fs.
Identifiers: ClinVar variation 3571795 (VCV003571795.1).

ClinVar aggregate classification (germline): Pathogenic (1 of 4 stars; one submission).

Submission:

Athena Diagnostics
Classification: Pathogenic. Last evaluated: 2023-11-17. Review status: criteria provided, single submitter. Criteria: Athena Diagnostics Criteria. Collection method: clinical testing. Allele origin: unknown.
Comment: This variant is expected to result in the loss of a functional protein. This variant has not been reported in large, multi-ethnic general populations. This variant has been identified in at least one individual tested at Athena Diagnostics with clinical features associated with this gene.